The following is an entry in ClinVar:

ClinVar aggregate classification (germline): Pathogenic (1 of 4 stars; one submission).

Submission:

Labcorp Genetics (formerly Invitae), Labcorp
Classification: Pathogenic. Last evaluated: 2025-11-05. Review status: criteria provided, single submitter. Criteria: Invitae Variant Classification Sherloc (09022015). Collection method: clinical testing. Allele origin: germline.
Comment: This sequence change creates a premature translational stop signal (p.Pro88Alafs*2) in the GPAA1 gene. It is expected to result in an absent or disrupted protein product. Loss-of-function variants in GPAA1 are known to be pathogenic (PMID: 29100095). This variant is not present in population databases (gnomAD no frequency). This variant has not been reported in the literature in individuals affected with GPAA1-related conditions. For these reasons, this variant has been classified as Pathogenic.

Literature cited by the submitters: PubMed 29100095.

NM_003801.4(GPAA1):c.262_272del (p.Pro88fs)

Gene: GPAA1 (glycosylphosphatidylinositol anchor attachment 1; plus strand). Cytogenetic location: 8q24.3.
Variant type: Deletion.
Coding change: c.262_272del on transcript NM_003801.4 (MANE Select); coding-DNA positions 262 to 272, 11 bases deleted (CCAGTGGCCTG).
Protein change: p.Pro88fs; shifts the reading frame from proline 88.
Molecular consequence: frameshift variant.
Genome position (GRCh38, 1-based): chr8:144,083,396-144,083,406, CCAGTGGCCTG deleted; deleting any 11 consecutive bases within chr8:144,083,393-144,083,406 gives the same sequence; the c. name uses the placement nearest the transcript's 3' end. VCF-style (leftmost placement, unchanged base first): chr8-144083392-TCTGCCAGTGGC-T. GRCh37 (hg19) VCF-style: chr8-145138295-TCTGCCAGTGGC-T.
Other names: short protein forms P88fs.
Identifiers: ClinVar variation 4810179 (VCV004810179.1).